The following is an entry in ClinVar:

NM_000081.4(LYST):c.1967G>T (p.Gly656Val)

Gene: LYST (lysosomal trafficking regulator; minus strand). Cytogenetic location: 1q42.3.
Variant type: single nucleotide variant.
Coding change: c.1967G>T on transcript NM_000081.4 (MANE Select); coding-DNA position 1967, G replaced by T.
Protein change: p.Gly656Val; replaces glycine 656 with valine.
Molecular consequence: missense variant.
Genome position (GRCh38, 1-based): chr1:235,808,851, C>A on the plus strand (G>T on the coding strand, the complement: LYST is on the minus strand). VCF-style: chr1-235808851-C-A. GRCh37 (hg19) VCF-style: chr1-235972151-C-A.
Other names: c.1967G>T, p.Gly656Val (NM_001301365.1); short protein forms G656V.
Identifiers: ClinVar variation 2054186 (VCV002054186.4), dbSNP rs2527107298, ClinGen allele CA344961249.
Genomic context (GRCh38, chr1:235,808,851, plus strand): 5'-CCTTGAAATCTGTAAGAAGGACTGGATAAACTTGAGGAGAGTTCAGCATCACATAAGTTT[C>A]CCTGCAGTGTCTCTTCTAATTGGGCTAGTTGGTCAGAGTCAACAGTACAAATATTACAAG-3'
Protein context (NP_000072.2, residues 646-666): QLAQLEETLQ[Gly656Val]NLCDAELSSS

ClinVar aggregate classification (germline): Uncertain significance (1 of 4 stars; one submission).

Conditions:
Chédiak-Higashi syndrome (CHS). Also called: Chediak-Higashi Syndrome. Identifiers: Orphanet 167, MedGen C0007965, MONDO:0008963, OMIM 214500.

Submission:

Labcorp Genetics (formerly Invitae), Labcorp
Classification: Uncertain significance for Chédiak-Higashi syndrome. Last evaluated: 2021-12-23. Review status: criteria provided, single submitter. Criteria: Invitae Variant Classification Sherloc (09022015). Collection method: clinical testing. Allele origin: germline.
Comment: This sequence change replaces glycine, which is neutral and non-polar, with valine, which is neutral and non-polar, at codon 656 of the LYST protein (p.Gly656Val). This variant is not present in population databases (gnomAD no frequency). This variant has not been reported in the literature in individuals affected with LYST-related conditions. Algorithms developed to predict the effect of missense changes on protein structure and function are either unavailable or do not agree on the potential impact of this missense change (SIFT: "Deleterious"; PolyPhen-2: "Benign"; Align-GVGD: "Class C0"). Algorithms developed to predict the effect of sequence changes on RNA splicing suggest that this variant may create or strengthen a splice site. In summary, the available evidence is currently insufficient to determine the role of this variant in disease. Therefore, it has been classified as a Variant of Uncertain Significance.